The following is an entry in ClinVar:

ClinVar aggregate classification (germline): Conflicting classifications of pathogenicity. Review status: criteria provided, conflicting classifications (1 of 4 stars). 2 submissions from 2 submitters: Uncertain significance (1); Likely benign (1). Last evaluated 2025-05-30.

Conditions:
SYNE1-related disorder. Also called: SYNE1-related disorders; SYNE1-related disease; SYNE1-related condition.

gnomAD v4.1: 1 of 1,613,730 alleles (0.000062%); highest among the groups gnomAD compares: African/African-American, 0.0013%; no homozygotes.

Submissions (2):

PreventionGenetics, part of Exact Sciences
Classification: Uncertain significance for SYNE1-related condition. Last evaluated: 2025-05-30. Review status: criteria provided, single submitter. Criteria: ACMG Guidelines, 2015. Collection method: clinical testing. Allele origin: germline.
Comment: The SYNE1 c.15695G>A variant is predicted to result in the amino acid substitution p.Arg5232Gln. To our knowledge, this variant has not been reported in the literature or in a large population database (gnomAD), indicating this variant is rare. At this time, the clinical significance of this variant is uncertain due to the absence of conclusive functional and genetic evidence.

Blueprint Genetics
Classification: Likely benign. Last evaluated: 2023-02-17. Review status: criteria provided, single submitter. Criteria: ACMG Guidelines, 2015. Collection method: clinical testing. Allele origin: germline.

NM_182961.4(SYNE1):c.15908G>A (p.Arg5303Gln)

Gene: SYNE1 (spectrin repeat containing nuclear envelope protein 1; minus strand). Cytogenetic location: 6q25.2.
Variant type: single nucleotide variant.
Coding change: c.15908G>A on transcript NM_182961.4 (MANE Select); coding-DNA position 15908, G replaced by A.
Protein change: p.Arg5303Gln; replaces arginine 5303 with glutamine.
Molecular consequence: missense variant.
Genome position (GRCh38, 1-based): chr6:152,323,487, C>T on the plus strand (G>A on the coding strand, the complement: SYNE1 is on the minus strand). VCF-style: chr6-152323487-C-T. GRCh37 (hg19) VCF-style: chr6-152644622-C-T.
Other names: c.15695G>A, p.Arg5232Gln (NM_033071.5); short protein forms R5303Q, R5232Q.
Identifiers: ClinVar variation 4894474 (VCV004894474.2).